The following is an entry in ClinVar:

ClinVar aggregate classification (germline): Uncertain significance (1 of 4 stars; one submission).

Conditions:
Ehlers-Danlos syndrome, classic type, 1 (EDSCL1). Also called: EHLERS-DANLOS SYNDROME, GRAVIS TYPE; EHLERS-DANLOS SYNDROME, SEVERE CLASSIC TYPE; Ehlers-Danlos syndrome, type 1; Ehlers-Danlos Syndrome, Classic Type, COL5A1-Related; EDS I. Identifiers: MedGen C0268335, MONDO:0019567, OMIM 130000.
Osteogenesis imperfecta type I (OI1). Also called: OI, TYPE I; OSTEOGENESIS IMPERFECTA TARDA; OSTEOGENESIS IMPERFECTA WITH BLUE SCLERAE; Osteogenesis imperfecta type 1; Lobstein's Disease; Lobstein disease. Identifiers: Orphanet 216796, Orphanet 666, MedGen C0023931, MONDO:0008146, OMIM 166200. Disease mechanism: loss of function.

Submission:

Labcorp Genetics (formerly Invitae), Labcorp
Classification: Uncertain significance for Osteogenesis imperfecta type I; Ehlers-Danlos syndrome, classic type, 1. Last evaluated: 2025-09-16. Review status: criteria provided, single submitter. Criteria: Invitae Variant Classification Sherloc (09022015). Collection method: clinical testing. Allele origin: germline.
Comment: This sequence change replaces proline, which is neutral and non-polar, with threonine, which is neutral and polar, at codon 258 of the COL1A2 protein (p.Pro258Thr). This variant is not present in population databases (gnomAD no frequency). This variant has not been reported in the literature in individuals affected with COL1A2-related conditions. ClinVar contains an entry for this variant (Variation ID: 3757057). Invitae Evidence Modeling of protein sequence and biophysical properties (such as structural, functional, and spatial information, amino acid conservation, physicochemical variation, residue mobility, and thermodynamic stability) has been performed for this missense variant. However, the output from this modeling did not meet the statistical confidence thresholds required to predict the impact of this variant on COL1A2 protein function. In summary, the available evidence is currently insufficient to determine the role of this variant in disease. Therefore, it has been classified as a Variant of Uncertain Significance.

NM_000089.4(COL1A2):c.772C>A (p.Pro258Thr)

Gene: COL1A2 (collagen type I alpha 2 chain; plus strand). Cytogenetic location: 7q21.3.
Variant type: single nucleotide variant.
Coding change: c.772C>A on transcript NM_000089.4 (MANE Select); coding-DNA position 772, C replaced by A.
Protein change: p.Pro258Thr; replaces proline 258 with threonine.
Molecular consequence: missense variant.
Genome position (GRCh38, 1-based): chr7:94,408,803, C>A. VCF-style: chr7-94408803-C-A. GRCh37 (hg19) VCF-style: chr7-94038115-C-A.
Other names: short protein forms P258T.
Identifiers: ClinVar variation 3757057 (VCV003757057.2).